The following is an entry in ClinVar:

NM_005431.2(XRCC2):c.728A>G (p.Lys243Arg)

Gene: XRCC2 (X-ray repair cross complementing 2; minus strand). Cytogenetic location: 7q36.1.
Variant type: single nucleotide variant.
Coding change: c.728A>G on transcript NM_005431.2 (MANE Select); coding-DNA position 728, A replaced by G.
Protein change: p.Lys243Arg; replaces lysine 243 with arginine.
Molecular consequence: missense variant.
Genome position (GRCh38, 1-based): chr7:152,648,757, T>C on the plus strand (A>G on the coding strand, the complement: XRCC2 is on the minus strand). VCF-style: chr7-152648757-T-C. GRCh37 (hg19) VCF-style: chr7-152345842-T-C.
Other names: c.728A>G (NM_005431.1); short protein forms K243R.
Identifiers: ClinVar variation 1360157 (VCV001360157.9), dbSNP rs1590129251, ClinGen allele CA370198071.

ClinVar aggregate classification (germline): Uncertain significance. Review status: criteria provided, multiple submitters, no conflicts (2 of 4 stars). 2 submissions from 2 submitters: Uncertain significance (2). Last evaluated 2022-11-11.

Conditions:
Hereditary cancer-predisposing syndrome. Also called: Tumor predisposition; Hereditary neoplastic syndrome; Neoplastic Syndromes, Hereditary; Hereditary Cancer Syndrome. Identifiers: Orphanet 140162, MedGen C0027672, MeSH D009386, MONDO:0015356.

Submissions (2):

Ambry Genetics
Classification: Uncertain significance for Hereditary cancer-predisposing syndrome. Last evaluated: 2022-11-11. Review status: criteria provided, single submitter. Criteria: Ambry Variant Classification Scheme 2023. Collection method: clinical testing. Allele origin: germline.
Comment: The p.K243R variant (also known as c.728A>G), located in coding exon 3 of the XRCC2 gene, results from an A to G substitution at nucleotide position 728. The lysine at codon 243 is replaced by arginine, an amino acid with highly similar properties. This amino acid position is conserved. In addition, this alteration is predicted to be tolerated by in silico analysis. Since supporting evidence is limited at this time, the clinical significance of this alteration remains unclear.

Labcorp Genetics (formerly Invitae), Labcorp
Classification: Uncertain significance. Last evaluated: 2020-11-27. Review status: criteria provided, single submitter. Criteria: Invitae Variant Classification Sherloc (09022015). Collection method: clinical testing. Allele origin: germline.
Comment: In summary, the available evidence is currently insufficient to determine the role of this variant in disease. Therefore, it has been classified as a Variant of Uncertain Significance. Algorithms developed to predict the effect of sequence changes on RNA splicing suggest that this variant may create or strengthen a splice site, but this prediction has not been confirmed by published transcriptional studies. Algorithms developed to predict the effect of missense changes on protein structure and function output the following: SIFT: "Tolerated"; PolyPhen-2: "Benign"; Align-GVGD: "Class C0". The arginine amino acid residue is found in multiple mammalian species, suggesting that this missense change does not adversely affect protein function. These predictions have not been confirmed by published functional studies and their clinical significance is uncertain. This variant has not been reported in the literature in individuals with XRCC2-related conditions. This variant is not present in population databases (ExAC no frequency). This sequence change replaces lysine with arginine at codon 243 of the XRCC2 protein (p.Lys243Arg). The lysine residue is moderately conserved and there is a small physicochemical difference between lysine and arginine.